The following is an entry in ClinVar:

NM_000212.3(ITGB3):c.1616_1617del (p.Phe539fs)

Gene: ITGB3 (integrin subunit beta 3; plus strand). Cytogenetic location: 17q21.32.
Variant type: Deletion.
Coding change: c.1616_1617del on transcript NM_000212.3 (MANE Select); coding-DNA positions 1616 to 1617, 2 bases deleted (TT; older notation c.1616_1617delTT).
Protein change: p.Phe539fs; shifts the reading frame from phenylalanine 539.
Molecular consequence: frameshift variant.
Genome position (GRCh38, 1-based): chr17:47,292,494-47,292,495, TT deleted; deleting any 2 consecutive bases within chr17:47,292,493-47,292,495 gives the same sequence; the c. name uses the placement nearest the transcript's 3' end. VCF-style (leftmost placement, unchanged base first): chr17-47292492-CTT-C. GRCh37 (hg19) VCF-style: chr17-45369858-CTT-C.
Other names: NM_000212.3:c.1616_1617del; short protein forms F539fs.
Identifiers: ClinVar variation 2498353 (VCV002498353.5), dbSNP rs1555572859, ClinGen allele CA915940809.

ClinVar aggregate classification (germline): Pathogenic. Review status: reviewed by expert panel (3 of 4 stars). 2 submissions from 2 submitters: Pathogenic (1). 1 of the submissions does not count toward it. Last evaluated 2023-02-02.

Conditions:
Glanzmann thrombasthenia. Also called: BLEEDING DISORDER, PLATELET-TYPE, 2; THROMBASTHENIA OF GLANZMANN AND NAEGELI; Thrombasthenia; PLATELET GLYCOPROTEIN IIb-IIIa DEFICIENCY; Glanzmann's thrombasthenia. Identifiers: Orphanet 849, MedGen C0040015, MONDO:0100326.

Submissions (2):

ClinGen Platelet Disorders Variant Curation Expert Panel, ClinGen
Classification: Pathogenic for Glanzmann thrombasthenia. Last evaluated: 2023-02-02. Review status: reviewed by expert panel. Criteria: ClinGen Platelet ACMG Specifications v2-1. Collection method: curation. Allele origin: germline. Inheritance: Autosomal recessive inheritance.
Comment: NM_000212.3(ITGB3):c.1616_1617del (p.Phe539TrpfsTer11) is a frameshift variant that causes a premature stop codon at exon 10 and is predicted to undergo nonsense mediated decay (PVS1). The mutation was not found in gnomAD v2.1.1 (PM2_supporting). The variant was found in one homozygous proband reported in the GT database (entry 174). In summary, this variant meets the criteria to be classified as pathogenic for autosomal recessive Glanzmann thrombasthenia based on the ACMG/AMP criteria applied, as specified by the ClinGen PD VCEP: PVS1, PM3_supporting and PM2_supporting.

Labcorp Genetics (formerly Invitae), Labcorp
Classification: Pathogenic. Last evaluated: 2023-12-14. Review status: criteria provided, single submitter. Criteria: Invitae Variant Classification Sherloc (09022015). Collection method: clinical testing. Allele origin: germline. Not counted in ClinVar's aggregate classification.
Comment: This sequence change creates a premature translational stop signal (p.Phe539Trpfs*11) in the ITGB3 gene. It is expected to result in an absent or disrupted protein product. Loss-of-function variants in ITGB3 are known to be pathogenic (PMID: 21917754). This variant is not present in population databases (gnomAD no frequency). This premature translational stop signal has been observed in individual(s) with autosomal recessive Glanzmann thrombasthenia (PMID: 16359514; Invitae). This variant is also known as deletion of TT1616–7. ClinVar contains an entry for this variant (Variation ID: 2498353). For these reasons, this variant has been classified as Pathogenic.

Literature cited by the submitters: PubMed 21917754 (cited by Labcorp Genetics (formerly Invitae), Labcorp); PubMed 16359514 (cited by Labcorp Genetics (formerly Invitae), Labcorp).